The following is an entry in ClinVar:

NM_000551.4(VHL):c.-35G>A

Gene: VHL (von Hippel-Lindau tumor suppressor; plus strand). Cytogenetic location: 3p25.3.
Variant type: single nucleotide variant.
Coding change: c.-35G>A on transcript NM_000551.4 (MANE Select); 35 bases upstream of the start codon, G replaced by A.
Molecular consequence: 5 prime UTR variant.
Genome position (GRCh38, 1-based): chr3:10,141,813, G>A. VCF-style: chr3-10141813-G-A. GRCh37 (hg19) VCF-style: chr3-10183497-G-A.
Other names: c.-35G>A (NM_001354723.2, NM_198156.3).
Identifiers: ClinVar variation 137904 (VCV000137904.13), dbSNP rs587780992, ClinGen allele CA020304.

ClinVar aggregate classification (germline): Conflicting classifications of pathogenicity. Review status: criteria provided, conflicting classifications (1 of 4 stars). 4 submissions from 4 submitters: Uncertain significance (1); Benign (1); Likely benign (2). Last evaluated 2025-03-04.

Conditions:
Von Hippel-Lindau syndrome (VHLS). Also called: Von Hippel-Lindau; von Hippel–Lindau syndrome; VHL syndrome. Identifiers: Orphanet 892, MedGen C0019562, MONDO:0008667, OMIM 193300. Disease mechanism: loss of function.

Allele frequency attached by ClinVar (database versions not stated): gnomAD 0.00001; TOPMed 0.00002.
gnomAD v4.1: 16 of 1,536,338 alleles (0.001%); highest among the groups gnomAD compares: Non-Finnish European, 0.0014%; no homozygotes.

Submissions (4):

Center for Genomic Medicine, Rigshospitalet, Copenhagen University Hospital
Classification: Likely benign. Last evaluated: 2025-03-04. Review status: criteria provided, single submitter. Criteria: ACMG Guidelines, 2015. Collection method: clinical testing. Allele origin: germline.

Illumina Laboratory Services, Illumina
Classification: Uncertain significance for Von Hippel-Lindau syndrome. Last evaluated: 2018-01-12. Review status: criteria provided, single submitter. Criteria: ICSL Variant Classification Criteria 13 December 2019. Collection method: clinical testing. Allele origin: germline.

PreventionGenetics, part of Exact Sciences
Classification: Likely benign. Last evaluated: 2017-04-17. Review status: criteria provided, single submitter. Criteria: ACMG Guidelines, 2015. Collection method: clinical testing. Allele origin: germline.

GeneDx
Classification: Benign. Last evaluated: 2014-05-28. Review status: criteria provided, single submitter. Criteria: GeneDx Variant Classification (06012015). Collection method: clinical testing. Allele origin: germline. Affected: yes.
Comment: This variant is considered likely benign or benign based on one or more of the following criteria: it is a conservative change, it occurs at a poorly conserved position in the protein, it is predicted to be benign by multiple in silico algorithms, and/or has population frequency not consistent with disease.